The following is an entry in ClinVar:

ClinVar aggregate classification (germline): Uncertain significance (1 of 4 stars; one submission).

Submission:

GeneDx
Classification: Uncertain significance. Last evaluated: 2025-06-18. Review status: criteria provided, single submitter. Criteria: GeneDx Variant Classification Process June 2021. Collection method: clinical testing. Allele origin: germline. Affected: yes.
Comment: Not observed at significant frequency in large population cohorts (gnomAD); In silico analysis supports that this missense variant has a deleterious effect on protein structure/function; Has not been previously published as pathogenic or benign to our knowledge

NM_001429.4(EP300):c.1024C>G (p.Leu342Val)

Gene: EP300 (EP300 lysine acetyltransferase; plus strand). Cytogenetic location: 22q13.2.
Variant type: single nucleotide variant.
Coding change: c.1024C>G on transcript NM_001429.4 (MANE Select); coding-DNA position 1024, C replaced by G.
Protein change: p.Leu342Val; replaces leucine 342 with valine.
Molecular consequence: missense variant.
Genome position (GRCh38, 1-based): chr22:41,127,604, C>G. VCF-style: chr22-41127604-C-G. GRCh37 (hg19) VCF-style: chr22-41523608-C-G.
Other names: c.1024C>G, p.Leu342Val (NM_001362843.2); short protein forms L342V.
Identifiers: ClinVar variation 4538715 (VCV004538715.1).
Genomic context (GRCh38, chr22:41,127,604, plus strand): 5'-GGGATGGGTTCTGGAGCACATACAGCTGATCCAGAGAAGCGCAAGCTCATCCAGCAGCAG[C>G]TTGTTCTCCTTTTGCATGCTCACAAGTGCCAGCGCCGGGAACAGGCCAATGGGGAAGTGA-3'
Protein context (NP_001420.2, residues 332-352): PEKRKLIQQQ[Leu342Val]VLLLHAHKCQ